The following is an entry in ClinVar:

NM_004370.6(COL12A1):c.5953A>G (p.Asn1985Asp)

Gene: COL12A1 (collagen type XII alpha 1 chain; minus strand). Cytogenetic location: 6q13.
Variant type: single nucleotide variant.
Coding change: c.5953A>G on transcript NM_004370.6 (MANE Select); coding-DNA position 5953, A replaced by G.
Protein change: p.Asn1985Asp; replaces asparagine 1985 with aspartic acid.
Molecular consequence: missense variant.
Genome position (GRCh38, 1-based): chr6:75,130,966, T>C on the plus strand (A>G on the coding strand, the complement: COL12A1 is on the minus strand). VCF-style: chr6-75130966-T-C. GRCh37 (hg19) VCF-style: chr6-75840682-T-C.
Other names: c.5953A>G, p.Asn1985Asp (NM_001424113.1); c.5932A>G, p.Asn1978Asp (NM_001424114.1); c.5680A>G, p.Asn1894Asp (NM_001424115.1); c.2461A>G, p.Asn821Asp (NM_001424116.1, NM_080645.3); short protein forms N821D, N1894D, N1985D, N1978D.
Identifiers: ClinVar variation 2945943 (VCV002945943.3), dbSNP rs2533271138, ClinGen allele CA364732511.

ClinVar aggregate classification (germline): Uncertain significance (1 of 4 stars; one submission).

Conditions:
Ullrich congenital muscular dystrophy 2 (UCMD2). Identifiers: Orphanet 75840, MedGen C4225314, MONDO:0014654, OMIM 616470.
Bethlem myopathy 2 (BTHLM2). Identifiers: Orphanet 536516, Orphanet 610, MedGen C4225313, MONDO:0034022, OMIM 616471.

Allele frequency attached by ClinVar (database versions not stated): gnomAD exomes below 0.00001.
gnomAD v4.1: 1 of 1,614,132 alleles (0.000062%); highest among the groups gnomAD compares: Non-Finnish European, 0.000085%; no homozygotes.

Submission:

Labcorp Genetics (formerly Invitae), Labcorp
Classification: Uncertain significance for Bethlem myopathy 2; Ullrich congenital muscular dystrophy 2. Last evaluated: 2023-03-29. Review status: criteria provided, single submitter. Criteria: Invitae Variant Classification Sherloc (09022015). Collection method: clinical testing. Allele origin: germline.
Comment: In summary, the available evidence is currently insufficient to determine the role of this variant in disease. Therefore, it has been classified as a Variant of Uncertain Significance. Advanced modeling of protein sequence and biophysical properties (such as structural, functional, and spatial information, amino acid conservation, physicochemical variation, residue mobility, and thermodynamic stability) has been performed at Invitae for this missense variant, however the output from this modeling did not meet the statistical confidence thresholds required to predict the impact of this variant on COL12A1 protein function. This sequence change replaces asparagine, which is neutral and polar, with aspartic acid, which is acidic and polar, at codon 1985 of the COL12A1 protein (p.Asn1985Asp). This variant is not present in population databases (gnomAD no frequency). This variant has not been reported in the literature in individuals affected with COL12A1-related conditions.